The following is an entry in ClinVar:

ClinVar aggregate classification (germline): Uncertain significance (1 of 4 stars; one submission).

Submission:

GeneDx
Classification: Uncertain significance. Last evaluated: 2025-01-23. Review status: criteria provided, single submitter. Criteria: GeneDx Variant Classification Process June 2021. Collection method: clinical testing. Allele origin: germline. Affected: yes.
Comment: Not observed at significant frequency in large population cohorts (gnomAD); In silico analysis supports that this missense variant has a deleterious effect on protein structure/function; Has not been previously published as pathogenic or benign to our knowledge

NM_002641.4(PIGA):c.170C>G (p.Ser57Cys)

Gene: PIGA (phosphatidylinositol glycan anchor biosynthesis class A; minus strand). Cytogenetic location: Xp22.2.
Variant type: single nucleotide variant.
Coding change: c.170C>G on transcript NM_002641.4 (MANE Select); coding-DNA position 170, C replaced by G.
Protein change: p.Ser57Cys; replaces serine 57 with cysteine.
Molecular consequence: missense variant. On other transcripts: non-coding transcript variant (1), intron variant (1).
Genome position (GRCh38, 1-based): chrX:15,331,761, G>C on the plus strand (C>G on the coding strand, the complement: PIGA is on the minus strand). VCF-style: chrX-15331761-G-C. GRCh37 (hg19) VCF-style: chrX-15349883-G-C.
Other names: c.13+3740C>G (NM_020473.3); short protein forms S57C.
Identifiers: ClinVar variation 4071763 (VCV004071763.1).